The following is an entry in ClinVar:

NM_032043.3(BRIP1):c.2458C>T (p.Gln820Ter)

Gene: BRIP1 (BRCA1 interacting DNA helicase 1; minus strand). Cytogenetic location: 17q23.2.
Variant type: single nucleotide variant.
Coding change: c.2458C>T on transcript NM_032043.3 (MANE Select); coding-DNA position 2458, C replaced by T.
Protein change: p.Gln820Ter; replaces glutamine 820 with a stop codon.
Molecular consequence: nonsense.
Genome position (GRCh38, 1-based): chr17:61,715,985, G>A on the plus strand (C>T on the coding strand, the complement: BRIP1 is on the minus strand). VCF-style: chr17-61715985-G-A. GRCh37 (hg19) VCF-style: chr17-59793346-G-A.
Other names: short protein forms Q820*.
Identifiers: ClinVar variation 918650 (VCV000918650.6), dbSNP rs2061854079, ClinGen allele CA400479523.
Genomic context (GRCh38, chr17:61,715,985, plus strand): 5'-ATTATATTAAATTTCACTCCACTTACCTACCAAGGGCCTGGTTTAAGGCCCTGTATGCTT[G>A]AATTTCATACCACTGACGGCCAGGTAGAAGACCTCTCAATTTTGAATGGTGGTCATTGTA-3'

ClinVar aggregate classification (germline): Pathogenic. Review status: criteria provided, multiple submitters, no conflicts (2 of 4 stars). 3 submissions from 3 submitters: Pathogenic (3). Last evaluated 2025-01-13.

Conditions:
Hereditary cancer-predisposing syndrome. Also called: Neoplastic Syndromes, Hereditary; Tumor predisposition; Hereditary Cancer Syndrome; Hereditary neoplastic syndrome. Identifiers: Orphanet 140162, MedGen C0027672, MeSH D009386, MONDO:0015356.
Familial cancer of breast. Also called: BREAST CANCER, FAMILIAL; Hereditary breast cancer; hereditary breast carcinoma. Identifiers: Orphanet 227535, MedGen C0346153, MONDO:0016419, OMIM 114480. Disease mechanism: loss of function.

Submissions (3):

Ambry Genetics
Classification: Pathogenic for Hereditary cancer-predisposing syndrome. Last evaluated: 2025-01-13. Review status: criteria provided, single submitter. Criteria: Ambry Variant Classification Scheme 2023. Collection method: clinical testing. Allele origin: germline.
Comment: The p.Q820* pathogenic mutation (also known as c.2458C>T), located in coding exon 16 of the BRIP1 gene, results from a C to T substitution at nucleotide position 2458. This changes the amino acid from a glutamine to a stop codon within coding exon 16. This variant is considered to be rare based on population cohorts in the Genome Aggregation Database (gnomAD). This alteration is expected to result in loss of function by premature protein truncation or nonsense-mediated mRNA decay. As such, this alteration is interpreted as a disease-causing mutation.

Myriad Genetics, Inc.
Classification: Pathogenic for Familial cancer of breast. Last evaluated: 2023-06-06. Review status: criteria provided, single submitter. Criteria: Myriad Autosomal Dominant, Autosomal Recessive and X-Linked Classification Criteria (2023). Collection method: clinical testing. Allele origin: unknown.
Comment: This variant is considered pathogenic. This variant creates a termination codon and is predicted to result in premature protein truncation.

Color Diagnostics, LLC DBA Color Health
Classification: Pathogenic for Hereditary cancer-predisposing syndrome. Last evaluated: 2020-01-15. Review status: criteria provided, single submitter. Criteria: ACMG Guidelines, 2015. Collection method: clinical testing. Allele origin: germline.
Comment: This variant changes 1 nucleotide in exon 17 of the BRIP1 gene, creating a premature translation stop signal. This variant is expected to result in an absent or non-functional protein product. This variant has not been identified in the general population by the Genome Aggregation Database (gnomAD). Loss of BRIP1 function is a known mechanism of disease. Based on the available evidence, this variant is classified as Pathogenic.